The following is an entry in ClinVar:

NM_001099271.2(POC5):c.1523T>G (p.Ile508Arg)

Gene: POC5 (POC5 centriolar protein; minus strand). Cytogenetic location: 5q13.3.
Variant type: single nucleotide variant.
Coding change: c.1523T>G on transcript NM_001099271.2 (MANE Select); coding-DNA position 1523, T replaced by G.
Protein change: p.Ile508Arg; replaces isoleucine 508 with arginine.
Molecular consequence: missense variant.
Genome position (GRCh38, 1-based): chr5:75,677,835, A>C on the plus strand (T>G on the coding strand, the complement: POC5 is on the minus strand). VCF-style: chr5-75677835-A-C. GRCh37 (hg19) VCF-style: chr5-74973660-A-C.
Other names: c.1448T>G, p.Ile483Arg (NM_152408.3); short protein forms I508R, I483R.
Identifiers: ClinVar variation 1403089 (VCV001403089.6), dbSNP rs762351942, ClinGen allele CA3310298.

ClinVar aggregate classification (germline): Uncertain significance (1 of 4 stars; one submission).

Allele frequency attached by ClinVar (database versions not stated): ExAC 0.00003; gnomAD 0.00003 and 0.00004; TOPMed 0.00003; gnomAD exomes 0.00004 and 0.00007.
gnomAD v4.1: 107 of 1,612,812 alleles (0.0066%); highest among the groups gnomAD compares: Non-Finnish European, 0.0087%; no homozygotes.

Submission:

Labcorp Genetics (formerly Invitae), Labcorp
Classification: Uncertain significance. Last evaluated: 2022-10-28. Review status: criteria provided, single submitter. Criteria: Invitae Variant Classification Sherloc (09022015). Collection method: clinical testing. Allele origin: germline.
Comment: This sequence change replaces isoleucine, which is neutral and non-polar, with arginine, which is basic and polar, at codon 508 of the POC5 protein (p.Ile508Arg). This variant is present in population databases (rs762351942, gnomAD 0.008%). This variant has not been reported in the literature in individuals affected with POC5-related conditions. ClinVar contains an entry for this variant (Variation ID: 1403089). Algorithms developed to predict the effect of missense changes on protein structure and function are either unavailable or do not agree on the potential impact of this missense change (SIFT: "Not Available"; PolyPhen-2: "Probably Damaging"; Align-GVGD: "Not Available"). In summary, the available evidence is currently insufficient to determine the role of this variant in disease. Therefore, it has been classified as a Variant of Uncertain Significance.